The following is an entry in ClinVar:

ClinVar aggregate classification (germline): Likely benign (0 of 4 stars; one submission).

Conditions:
INPP5E-related disorder. Also called: INPP5E-related condition.

Submission:

PreventionGenetics, part of Exact Sciences
Classification: Likely benign for INPP5E-related condition. Last evaluated: 2024-05-20. Review status: no assertion criteria provided. Collection method: clinical testing. Allele origin: germline.
Comment: This variant is classified as likely benign based on ACMG/AMP sequence variant interpretation guidelines (Richards et al. 2015 PMID: 25741868, with internal and published modifications).

NM_019892.6(INPP5E):c.-170C>G

Gene: INPP5E (inositol polyphosphate-5-phosphatase E; minus strand). Cytogenetic location: 9q34.3.
Variant type: single nucleotide variant.
Coding change: c.-170C>G on transcript NM_019892.6 (MANE Select); 170 bases upstream of the start codon, C replaced by G.
Molecular consequence: 5 prime UTR variant.
Genome position (GRCh38, 1-based): chr9:136,439,589, G>C on the plus strand (C>G on the coding strand, the complement: INPP5E is on the minus strand). VCF-style: chr9-136439589-G-C. GRCh37 (hg19) VCF-style: chr9-139334041-G-C.
Other names: c.-170C>G (NM_001318502.2).
Identifiers: ClinVar variation 3345830 (VCV003345830.1).
Genomic context (GRCh38, chr9:136,439,589, plus strand): 5'-GGCTCCCGCTTGGGCCGGGGATGGTCGCGGAGGGGCGGGGGCGGCTGCCGCATGGCCCGG[G>C]CCCCGAGTCCCGCCAGCCCCTCGGGGCTCCCAGACGCCGTTCCCAGGGCGGTCCGCAGGC-3'